The following is an entry in ClinVar:

NM_001142864.4(PIEZO1):c.3699+19_3699+20delinsAC

Gene: PIEZO1 (piezo type mechanosensitive ion channel component 1 (Er blood group); minus strand). Cytogenetic location: 16q24.3.
Variant type: Indel.
Coding change: c.3699+19_3699+20delinsAC on transcript NM_001142864.4 (MANE Select); bases 19 to 20 of the intron after coding-DNA position 3699, CG replaced by AC.
Molecular consequence: intron variant.
Genome position (GRCh38, 1-based): chr16:88,726,695-88,726,696, CG replaced by GT on the plus strand (CG replaced by AC on the coding strand, the reverse complement: PIEZO1 is on the minus strand). VCF-style: chr16-88726695-CG-GT. GRCh37 (hg19) VCF-style: chr16-88793103-CG-GT.
Identifiers: ClinVar variation 4708793 (VCV004708793.1).

ClinVar aggregate classification (germline): Uncertain significance (1 of 4 stars; one submission).

Submission:

Labcorp Genetics (formerly Invitae), Labcorp
Classification: Uncertain significance. Last evaluated: 2025-06-27. Review status: criteria provided, single submitter. Criteria: Invitae Variant Classification Sherloc (09022015). Collection method: clinical testing. Allele origin: germline.
Comment: This sequence change falls in intron 25 of the PIEZO1 gene. It does not directly change the encoded amino acid sequence of the PIEZO1 protein. Information on the frequency of this variant in the gnomAD database is not available, as this variant may be reported differently in the database. This variant has not been reported in the literature in individuals affected with PIEZO1-related conditions. Experimental studies and prediction algorithms are not available or were not evaluated, and the effect of this variant on mRNA splicing is currently unknown. In summary, the available evidence is currently insufficient to determine the role of this variant in disease. Therefore, it has been classified as a Variant of Uncertain Significance.